The following is an entry in ClinVar:

NM_031471.6(FERMT3):c.110C>T (p.Thr37Ile)

Gene: FERMT3 (FERM domain containing kindlin 3; plus strand). Cytogenetic location: 11q13.1.
Variant type: single nucleotide variant.
Coding change: c.110C>T on transcript NM_031471.6 (MANE Select); coding-DNA position 110, C replaced by T.
Protein change: p.Thr37Ile; replaces threonine 37 with isoleucine.
Molecular consequence: missense variant.
Genome position (GRCh38, 1-based): chr11:64,207,474, C>T. VCF-style: chr11-64207474-C-T. GRCh37 (hg19) VCF-style: chr11-63974946-C-T.
Other names: c.110C>T, p.Thr37Ile (NM_001382361.1, NM_001382362.1, NM_001382448.1 and 1 more transcripts); short protein forms T37I.
Identifiers: ClinVar variation 3701049 (VCV003701049.2).

ClinVar aggregate classification (germline): Uncertain significance (1 of 4 stars; one submission).

Conditions:
Leukocyte adhesion deficiency 3. Also called: INTEGRIN ACTIVATION DEFICIENCY DISEASE; LEUKOCYTE ADHESION DEFICIENCY 1 VARIANT; Leukocyte adhesion deficiency, type III. Identifiers: Orphanet 2968, Orphanet 99844, MedGen C2748536, MONDO:0013016, OMIM 612840.

gnomAD v4.1: 5 of 1,613,826 alleles (0.00031%); highest among the groups gnomAD compares: Middle Eastern, 0.033%; no homozygotes.

Submission:

Labcorp Genetics (formerly Invitae), Labcorp
Classification: Uncertain significance for Leukocyte adhesion deficiency 3. Last evaluated: 2024-10-22. Review status: criteria provided, single submitter. Criteria: Invitae Variant Classification Sherloc (09022015). Collection method: clinical testing. Allele origin: germline.
Comment: This sequence change replaces threonine, which is neutral and polar, with isoleucine, which is neutral and non-polar, at codon 37 of the FERMT3 protein (p.Thr37Ile). This variant is not present in population databases (gnomAD no frequency). This variant has not been reported in the literature in individuals affected with FERMT3-related conditions. Invitae Evidence Modeling of protein sequence and biophysical properties (such as structural, functional, and spatial information, amino acid conservation, physicochemical variation, residue mobility, and thermodynamic stability) indicates that this missense variant is not expected to disrupt FERMT3 protein function with a negative predictive value of 80%. In summary, the available evidence is currently insufficient to determine the role of this variant in disease. Therefore, it has been classified as a Variant of Uncertain Significance.